The following is an entry in ClinVar:

NM_182914.3(SYNE2):c.6164A>G (p.His2055Arg)

Gene: SYNE2 (spectrin repeat containing nuclear envelope protein 2; plus strand). Cytogenetic location: 14q23.2.
Variant type: single nucleotide variant.
Coding change: c.6164A>G on transcript NM_182914.3 (MANE Select); coding-DNA position 6164, A replaced by G.
Protein change: p.His2055Arg; replaces histidine 2055 with arginine.
Molecular consequence: missense variant.
Genome position (GRCh38, 1-based): chr14:64,025,333, A>G. VCF-style: chr14-64025333-A-G. GRCh37 (hg19) VCF-style: chr14-64492051-A-G.
Other names: c.6164A>G, p.His2055Arg (NM_015180.6); short protein forms H2055R.
Identifiers: ClinVar variation 283040 (VCV000283040.9), dbSNP rs368032214, ClinGen allele CA7220629.

ClinVar aggregate classification (germline): Uncertain significance. Review status: criteria provided, multiple submitters, no conflicts (2 of 4 stars). 2 submissions from 2 submitters: Uncertain significance (2). Last evaluated 2022-11-01.

Conditions:
Emery-Dreifuss muscular dystrophy 5, autosomal dominant (EDMD5). Also called: EMERY-DREIFUSS MUSCULAR DYSTROPHY 5. Identifiers: Orphanet 261, MedGen C2751805, MONDO:0013072, OMIM 612999.

Allele frequency attached by ClinVar (database versions not stated): gnomAD exomes below 0.00001 and 0.00002; ExAC 0.00001; ESP Exome Variant Server 0.00008.
gnomAD v4.1: 6 of 1,614,118 alleles (0.00037%); highest among the groups gnomAD compares: Admixed American, 0.005%; no homozygotes.

Submissions (2):

Labcorp Genetics (formerly Invitae), Labcorp
Classification: Uncertain significance for Emery-Dreifuss muscular dystrophy 5, autosomal dominant. Last evaluated: 2022-11-01. Review status: criteria provided, single submitter. Criteria: Invitae Variant Classification Sherloc (09022015). Collection method: clinical testing. Allele origin: germline.
Comment: In summary, the available evidence is currently insufficient to determine the role of this variant in disease. Therefore, it has been classified as a Variant of Uncertain Significance. Algorithms developed to predict the effect of missense changes on protein structure and function output the following: SIFT: "Tolerated"; PolyPhen-2: "Benign"; Align-GVGD: "Class C0". The arginine amino acid residue is found in multiple mammalian species, which suggests that this missense change does not adversely affect protein function. ClinVar contains an entry for this variant (Variation ID: 283040). This variant has not been reported in the literature in individuals affected with SYNE2-related conditions. This variant is present in population databases (rs368032214, gnomAD 0.009%). This sequence change replaces histidine, which is basic and polar, with arginine, which is basic and polar, at codon 2055 of the SYNE2 protein (p.His2055Arg).

Eurofins Ntd Llc (ga)
Classification: Uncertain significance. Last evaluated: 2015-09-18. Review status: criteria provided, single submitter. Criteria: EGL Classification Definitions 2015. Collection method: clinical testing. Allele origin: germline. Observed: 1 variant allele, 1 heterozygote.